The following is an entry in ClinVar:

ClinVar aggregate classification (germline): Likely pathogenic. Review status: criteria provided, multiple submitters, no conflicts (2 of 4 stars). 2 submissions from 2 submitters: Likely pathogenic (2). Last evaluated 2026-05-18.

Conditions:
COL4A1-related disorder. Also called: COL4A1-related disorders; COL4A1-related condition. Identifiers: MedGen CN376119, MONDO:0800461.
Autosomal dominant familial hematuria-retinal arteriolar tortuosity-contractures syndrome. Also called: Hereditary Angiopathy with Nephropathy, Aneurysms, and Muscle Cramps (HANAC) Syndrome; Angiopathy, hereditary, with nephropathy, aneurysms, and muscle cramps. Identifiers: Orphanet 73229, MedGen C2673195, MONDO:0012726, OMIM 611773.

Submissions (2):

MVZ Medizinische Genetik Mainz
Classification: Likely pathogenic for Autosomal dominant familial hematuria-retinal arteriolar tortuosity-contractures syndrome. Last evaluated: 2026-05-18. Review status: criteria provided, single submitter. Criteria: UK Practice Guidelines For Variant Classification V4 01 2020. Collection method: clinical testing. Allele origin: germline. Inheritance: Autosomal dominant inheritance. Affected: yes. Observed: 1 variant allele.
Comment: ACMG Criteria: PVS1,PM2_SUP

Blueprint Genetics
Classification: Likely pathogenic for COL4A1-related disorders. Last evaluated: 2024-10-21. Review status: criteria provided, single submitter. Criteria: ACMG Guidelines, 2015. Collection method: clinical testing. Allele origin: germline. Affected: yes. Observed: 1 variant allele.

NM_001845.6(COL4A1):c.1809del (p.Pro605fs)

Gene: COL4A1 (collagen type IV alpha 1 chain; minus strand). Cytogenetic location: 13q34.
Variant type: Deletion.
Coding change: c.1809del on transcript NM_001845.6 (MANE Select); coding-DNA position 1809, one base deleted (T; older notation c.1809delT).
Protein change: p.Pro605fs; shifts the reading frame from proline 605.
Molecular consequence: frameshift variant.
Genome position (GRCh38, 1-based): chr13:110,186,473, A deleted on the plus strand (T on the coding strand, the reverse complement: COL4A1 is on the minus strand). VCF-style (leftmost placement, unchanged base first): chr13-110186472-CA-C. GRCh37 (hg19) VCF-style: chr13-110838819-CA-C.
Other names: short protein forms P605fs.
Identifiers: ClinVar variation 4857270 (VCV004857270.2).